The following is an entry in ClinVar:

NM_006035.4(CDC42BPB):c.2472-73A>T

Gene: CDC42BPB (CDC42 binding protein kinase beta; minus strand). Cytogenetic location: 14q32.32.
Variant type: single nucleotide variant.
Coding change: c.2472-73A>T on transcript NM_006035.4 (MANE Select); 73 bases into the intron before coding-DNA position 2472, A replaced by T.
Molecular consequence: intron variant.
Genome position (GRCh38, 1-based): chr14:102,966,460, T>A on the plus strand (A>T on the coding strand, the complement: CDC42BPB is on the minus strand). VCF-style: chr14-102966460-T-A. GRCh37 (hg19) VCF-style: chr14-103432797-T-A.
Other names: c.2472-73A>T (NM_001411054.1).
Identifiers: ClinVar variation 4854106 (VCV004854106.1).

ClinVar aggregate classification (germline): Uncertain significance (1 of 4 stars; one submission).

Conditions:
Chilton-Okur-Chung neurodevelopmental syndrome (CHOCNS). Identifiers: MedGen C5677022, MONDO:0859239, OMIM 619841.

Submission:

3billion
Classification: Uncertain significance for Chilton-Okur-Chung neurodevelopmental syndrome. Last evaluated: 2025-06-27. Review status: criteria provided, single submitter. Criteria: ACMG Guidelines, 2015. Collection method: clinical testing. Allele origin: germline. Affected: yes.
Comment: The variant is not observed in the gnomAD v4.1.0 dataset. Predicted Consequence/Location: Intron variant In silico tools predict the variant to alter splicing and produce an abnormal transcript [SpliceAI: 0.47 (>=0.2, moderate evidence for spliceogenicity)]. Therefore, this variant is classified as VUS according to the recommendation of ACMG/AMP guideline.